The following is an entry in ClinVar:

NM_001199397.3(NEK1):c.494_499delinsTTCTTGT (p.Gly165fs)

Gene: NEK1 (NIMA related kinase 1; minus strand). Cytogenetic location: 4q33.
Variant type: Indel.
Coding change: c.494_499delinsTTCTTGT on transcript NM_001199397.3 (MANE Select); coding-DNA positions 494 to 499, GGACCC replaced by TTCTTGT.
Protein change: p.Gly165fs; shifts the reading frame from glycine 165.
Molecular consequence: frameshift variant. On other transcripts: 5 prime UTR variant (2), non-coding transcript variant (2).
Genome position (GRCh38, 1-based): chr4:169,588,701-169,588,706, GGGTCC replaced by ACAAGAA on the plus strand (GGACCC replaced by TTCTTGT on the coding strand, the reverse complement: NEK1 is on the minus strand). VCF-style: chr4-169588701-GGGTCC-ACAAGAA. GRCh37 (hg19) VCF-style: chr4-170509852-GGGTCC-ACAAGAA.
Other names: c.494_499delinsTTCTTGT, p.Gly165fs (NM_001199398.3, NM_001199399.3, NM_001199400.3 and 11 more transcripts); c.-128_-123delinsTTCTTGT (NM_001440624.1, NM_001440625.1); short protein forms G165fs.
Identifiers: ClinVar variation 4759238 (VCV004759238.1).

ClinVar aggregate classification (germline): Pathogenic (1 of 4 stars; one submission).

Conditions:
Short-rib thoracic dysplasia 6 with or without polydactyly (SRTD6). Also called: SHORT-RIB THORACIC DYSPLASIA 6 WITH POLYDACTYLY; SHORT-RIB THORACIC DYSPLASIA 6 WITHOUT POLYDACTYLY; POLYDACTYLY WITH NEONATAL CHONDRODYSTROPHY, TYPE II; Majewski Syndrome; SHORT RIB-POLYDACTYLY SYNDROME, TYPE IIA. Identifiers: MedGen C0024507, MONDO:0009894, OMIM 263520.

Submission:

Variantyx, Inc.
Classification: Pathogenic for Short-rib thoracic dysplasia 6 with or without polydactyly. Last evaluated: 2025-03-06. Review status: criteria provided, single submitter. Criteria: Variantyx Assertion Criteria 2022. Collection method: clinical testing. Allele origin: maternal.
Comment: This is a frameshift variant in the NEK1 gene (OMIM: 604588). Pathogenic variants in this gene have been associated with autosomal recessive short-rib thoracic dysplasia 6 with or without polydactyly. This variant has not been reported in individuals with NEK1-related disorders in the databases available for review. This variant introduces a premature termination codon in exon 8 out of 36. It is expected to result in loss of function, which is a known disease mechanism for NEK1 in this disorder (PVS1) (PMID:21211617). This variant has a 0.0003% maximum allele frequency in non-founder control populations (PM2_Supporting). The clinical symptoms reported for this individual are highly specific for autosomal recessive short-rib thoracic dysplasia 6 with or without polydactyly, which has a limited genetic etiology (PP4). Based on the current evidence, this variant is classified as pathogenic for autosomal recessive short-rib thoracic dysplasia 6 with or without polydactyly.